The following is an entry in ClinVar:

NM_000465.4(BARD1):c.680G>C (p.Gly227Ala)

Gene: BARD1 (BRCA1 associated RING domain 1; minus strand). Cytogenetic location: 2q35.
Variant type: single nucleotide variant.
Coding change: c.680G>C on transcript NM_000465.4 (MANE Select); coding-DNA position 680, G replaced by C.
Protein change: p.Gly227Ala; replaces glycine 227 with alanine.
Molecular consequence: missense variant. On other transcripts: non-coding transcript variant (2), intron variant (3).
Genome position (GRCh38, 1-based): chr2:214,781,194, C>G on the plus strand (G>C on the coding strand, the complement: BARD1 is on the minus strand). VCF-style: chr2-214781194-C-G. GRCh37 (hg19) VCF-style: chr2-215645918-C-G.
Other names: c.623G>C, p.Gly208Ala (NM_001282543.2); c.158+28218G>C (NM_001282548.2); c.215+15867G>C (NM_001282545.2); c.364+11103G>C (NM_001282549.2); short protein forms G227A, G208A.
Identifiers: ClinVar variation 2774791 (VCV002774791.2), dbSNP rs1553622515, ClinGen allele CA350456443.

ClinVar aggregate classification (germline): Uncertain significance (1 of 4 stars; one submission).

Conditions:
Hereditary cancer-predisposing syndrome. Also called: Neoplastic Syndromes, Hereditary; Tumor predisposition; Hereditary Cancer Syndrome; Hereditary neoplastic syndrome. Identifiers: Orphanet 140162, MedGen C0027672, MeSH D009386, MONDO:0015356.

Submission:

Color Diagnostics, LLC DBA Color Health
Classification: Uncertain significance for Hereditary cancer-predisposing syndrome. Last evaluated: 2024-03-06. Review status: criteria provided, single submitter. Criteria: ACMG Guidelines, 2015. Collection method: clinical testing. Allele origin: germline.
Comment: This missense variant replaces glycine with alanine at codon 227 of the BARD1 protein. Computational prediction suggests that this variant may not impact protein structure and function (internally defined REVEL score threshold <= 0.5, PMID: 27666373). To our knowledge, functional studies have not been reported for this variant. This variant has not been reported in individuals affected with hereditary cancer in the literature. This variant has not been identified in the general population by the Genome Aggregation Database (gnomAD). The available evidence is insufficient to determine the role of this variant in disease conclusively. Therefore, this variant is classified as a Variant of Uncertain Significance.